The following is an entry in ClinVar:

NM_000059.4(BRCA2):c.5811_5812del (p.Gly1938fs)

Gene: BRCA2 (BRCA2 DNA repair associated; plus strand). Cytogenetic location: 13q13.1.
Variant type: Deletion.
Coding change: c.5811_5812del on transcript NM_000059.4 (MANE Select); coding-DNA positions 5811 to 5812, 2 bases deleted (TG; older notation c.5811_5812delTG).
Protein change: p.Gly1938fs; shifts the reading frame from glycine 1938.
Molecular consequence: frameshift variant.
Genome position (GRCh38, 1-based): chr13:32,340,166-32,340,167, TG deleted. VCF-style (leftmost placement, unchanged base first): chr13-32340165-CTG-C. GRCh37 (hg19) VCF-style: chr13-32914302-CTG-C.
Other names: 6039_6040delTG; c.5811_5812delTG (NM_000059.3).
Identifiers: ClinVar variation 266897 (VCV000266897.15), dbSNP rs886040612, ClinGen allele CA10589331.

ClinVar aggregate classification (germline): Pathogenic. Review status: reviewed by expert panel (3 of 4 stars). 5 submissions from 5 submitters: Pathogenic (1). 4 of the submissions do not count toward it. Last evaluated 2016-10-18.

Conditions:
Breast-ovarian cancer, familial, susceptibility to, 2 (BROVCA2). Also called: BRCA2 Hereditary Breast and Ovarian Cancer. Identifiers: Orphanet 145, MedGen C2675520, MONDO:0012933, OMIM 612555. Disease mechanism: loss of function.
Hereditary cancer-predisposing syndrome. Also called: Hereditary neoplastic syndrome; Neoplastic Syndromes, Hereditary; Tumor predisposition; Hereditary Cancer Syndrome. Identifiers: Orphanet 140162, MedGen C0027672, MeSH D009386, MONDO:0015356.
Hereditary breast ovarian cancer syndrome. Also called: BRCA1- and BRCA2-Associated Hereditary Breast and Ovarian Cancer; Hereditary breast and ovarian cancer; Breast and ovarian cancer; Hereditary breast and/or ovarian cancer syndrome; Hereditary breast and ovarian cancer syndrome; Hereditary breast and ovarian cancer syndrome (HBOC). Identifiers: Orphanet 145, MedGen C0677776, MeSH D061325, MONDO:0003582. Disease mechanism: loss of function.

Submissions (5):

Evidence-based Network for the Interpretation of Germline Mutant Alleles (ENIGMA)
Classification: Pathogenic for Breast-ovarian cancer, familial, susceptibility to, 2. Last evaluated: 2016-10-18. Review status: reviewed by expert panel. Criteria: ENIGMA BRCA1/2 Classification Criteria (2015). Collection method: curation. Allele origin: germline.
Comment: Variant allele predicted to encode a truncated non-functional protein.

Myriad Genetics, Inc.
Classification: Pathogenic for Breast-ovarian cancer, familial, susceptibility to, 2. Last evaluated: 2023-07-26. Review status: criteria provided, single submitter. Criteria: Myriad Autosomal Dominant, Autosomal Recessive and X-Linked Classification Criteria (2023). Collection method: clinical testing. Allele origin: unknown. Not counted in ClinVar's aggregate classification.
Comment: This variant is considered pathogenic. This variant creates a frameshift predicted to result in premature protein truncation.

Ambry Genetics
Classification: Pathogenic for Hereditary cancer-predisposing syndrome. Last evaluated: 2022-09-07. Review status: criteria provided, single submitter. Criteria: Ambry Variant Classification Scheme 2023. Collection method: clinical testing. Allele origin: germline. Not counted in ClinVar's aggregate classification.
Comment: The c.5811_5812delTG pathogenic mutation, located in coding exon 10 of the BRCA2 gene, results from a deletion of two nucleotides at nucleotide positions 5811 to 5812, causing a translational frameshift with a predicted alternate stop codon (p.G1938Ifs*6). This variant is considered to be rare based on population cohorts in the Genome Aggregation Database (gnomAD). This alteration is expected to result in loss of function by premature protein truncation or nonsense-mediated mRNA decay. As such, this alteration is interpreted as a disease-causing mutation.

Labcorp Genetics (formerly Invitae), Labcorp
Classification: Pathogenic for Hereditary breast ovarian cancer syndrome. Last evaluated: 2018-07-01. Review status: criteria provided, single submitter. Criteria: Invitae Variant Classification Sherloc (09022015). Collection method: clinical testing. Allele origin: germline. Not counted in ClinVar's aggregate classification.
Comment: This variant is not present in population databases (ExAC no frequency). For these reasons, this variant has been classified as Pathogenic. Loss-of-function variants in BRCA2 are known to be pathogenic (PMID: 20104584). This variant has been reported in individuals in the Leiden Open-source Variation Database (PMID: 21520333). ClinVar contains an entry for this variant (Variation ID: 266897). This sequence change creates a premature translational stop signal (p.Gly1938Ilefs*6) in the BRCA2 gene. It is expected to result in an absent or disrupted protein product.

Consortium of Investigators of Modifiers of BRCA1/2 (CIMBA), c/o University of Cambridge
Classification: Pathogenic for Breast-ovarian cancer, familial, susceptibility to, 2. Last evaluated: 2015-10-02. Review status: criteria provided, single submitter. Criteria: CIMBA Mutation Classification guidelines May 2016. Collection method: clinical testing. Allele origin: germline. Not counted in ClinVar's aggregate classification.

Literature cited by the submitters: PubMed 20104584 (cited by Labcorp Genetics (formerly Invitae), Labcorp); PubMed 21520333 (cited by Labcorp Genetics (formerly Invitae), Labcorp).